The following is an entry in ClinVar:

ClinVar aggregate classification (germline): not provided (0 of 4 stars; one submission).

Conditions:
Large for gestational age. Identifiers: MedGen C1848395, HP:0001520.

Submission:

Institute of Molecular and Cell Biology, University of Tartu
No classification provided. Condition: Large for gestational age. Review status: no classification provided. Collection method: case-control. Allele origin: unknown. Affected: yes. Study: Kasak2014.
Comment: The study aimed to determine the contribution of copy number variants in the genetic etiology of normal and complicated pregnancies. The samples represented (i) maternal blood DNA drawn from healthy pregnant women during 1st or 2nd trimester and (ii) maternal and paternal blood DNA drawn at term pregnancy cases representing normal and complicated gestations (severe preeclampsia, PE; gestational diabetes, GD; small-for-gestational age newborn, SGA; large-for-gestational age newborn, LGA). We performed CNV calling based on genome-wide genotyping dataset (Illumina HumanOmniExpress-24-v1 BeadChip) by applying three algorithms, QuantiSNP, GADA (Genome Alteration Detection Algorithm) and CNstream in parallel. The acquired CNV calls were merged with HD-CNV (Hotspot Detector for Copy Number Variants) program and only the CNVs predicted by at least two programs, were considered in subsequent analysis.

Literature cited by the submitters: PubMed 25666259.

CM000664.1:g.39518512_39588797dup

Genes: MAP4K3 (mitogen-activated protein kinase kinase kinase kinase 3; minus strand), LOC129388851 (MPRA-validated peak3671 silencer; plus strand). Cytogenetic location: 2p22.1.
Variant type: Duplication.
Identifiers: ClinVar variation 156783 (VCV000156783.2).